The following is an entry in ClinVar:

NM_001122769.3(LCA5):c.142A>T (p.Arg48Ter)

Gene: LCA5 (lebercilin LCA5; minus strand). Cytogenetic location: 6q14.1.
Variant type: single nucleotide variant.
Coding change: c.142A>T on transcript NM_001122769.3 (MANE Select); coding-DNA position 142, A replaced by T.
Protein change: p.Arg48Ter; replaces arginine 48 with a stop codon.
Molecular consequence: nonsense.
Genome position (GRCh38, 1-based): chr6:79,518,753, T>A on the plus strand (A>T on the coding strand, the complement: LCA5 is on the minus strand). VCF-style: chr6-79518753-T-A. GRCh37 (hg19) VCF-style: chr6-80228470-T-A.
Other names: c.142A>T, p.Arg48Ter (NM_181714.4); short protein forms R48*.
Identifiers: ClinVar variation 842687 (VCV000842687.10), dbSNP rs1766524422, ClinGen allele CA364631515.
Genomic context (GRCh38, chr6:79,518,753, plus strand): 5'-AAGAATGCTTACCTTGGTGATGTACTTGGCCATCTGAAGTTTGTCTTTTAGGATTTTTTC[T>A]CCTAACACTTGCAGGTGAAGAACTGACCAGCGATGATCGGCCAGAAGACTGTGGCGTTTC-3'

ClinVar aggregate classification (germline): Pathogenic. Review status: criteria provided, multiple submitters, no conflicts (2 of 4 stars). 2 submissions from 2 submitters: Pathogenic (2). Last evaluated 2026-01-20.

Conditions:
Leber congenital amaurosis 5 (LCA5). Also called: Amaurosis congenita of Leber, type 5. Identifiers: Orphanet 65, MedGen C1858301, MONDO:0011473, OMIM 604537.

Allele frequency attached by ClinVar (database versions not stated): gnomAD exomes below 0.00001; gnomAD 0.00001.
gnomAD v4.1: 2 of 1,614,052 alleles (0.00012%); highest among the groups gnomAD compares: Admixed American, 0.0033%; no homozygotes.

Submissions (2):

Labcorp Genetics (formerly Invitae), Labcorp
Classification: Pathogenic. Last evaluated: 2026-01-20. Review status: criteria provided, single submitter. Criteria: Invitae Variant Classification Sherloc (09022015). Collection method: clinical testing. Allele origin: germline.
Comment: This sequence change creates a premature translational stop signal (p.Arg48*) in the LCA5 gene. It is expected to result in an absent or disrupted protein product. Loss-of-function variants in LCA5 are known to be pathogenic (PMID: 17546029, 23946133). This variant is not present in population databases (gnomAD no frequency). This premature translational stop signal has been observed in individual(s) with Leber congenital amaurosis (PMID: 23946133). ClinVar contains an entry for this variant (Variation ID: 842687). For these reasons, this variant has been classified as Pathogenic.

Baylor Genetics
Classification: Pathogenic for Leber congenital amaurosis 5. Last evaluated: 2023-03-16. Review status: criteria provided, single submitter. Criteria: ACMG Guidelines, 2015. Collection method: clinical testing. Allele origin: unknown.

Literature cited by the submitters: PubMed 17546029 (cited by Labcorp Genetics (formerly Invitae), Labcorp); PubMed 23946133 (cited by Labcorp Genetics (formerly Invitae), Labcorp).